The following is an entry in ClinVar:

NM_020223.4(FAM20C):c.1487C>T (p.Pro496Leu)

Gene: FAM20C (FAM20C golgi associated secretory pathway kinase; plus strand). Cytogenetic location: 7p22.3.
Variant type: single nucleotide variant.
Coding change: c.1487C>T on transcript NM_020223.4 (MANE Select); coding-DNA position 1487, C replaced by T.
Protein change: p.Pro496Leu; replaces proline 496 with leucine.
Molecular consequence: missense variant.
Genome position (GRCh38, 1-based): chr7:258,687, C>T. VCF-style: chr7-258687-C-T. GRCh37 (hg19) VCF-style: chr7-298653-C-T.
Other names: short protein forms P496L.
Identifiers: ClinVar variation 3370792 (VCV003370792.4).

ClinVar aggregate classification (germline): Conflicting classifications of pathogenicity. Review status: criteria provided, conflicting classifications (1 of 4 stars). 3 submissions from 3 submitters: Likely pathogenic (2); Uncertain significance (1). Last evaluated 2025-09-10.

Conditions:
Lethal osteosclerotic bone dysplasia (RNS). Also called: Osteomalacia, sclerosing, with cerebral calcification. Identifiers: Orphanet 1832, MedGen C1850106, MONDO:0009821, OMIM 259775.

gnomAD v4.1: 6 of 1,536,520 alleles (0.00039%); highest among the groups gnomAD compares: Non-Finnish European, 0.00044%; no homozygotes.

Submissions (3):

Genomic Medicine Center of Excellence, King Faisal Specialist Hospital and Research Centre
Classification: Likely pathogenic for Lethal osteosclerotic bone dysplasia. Last evaluated: 2025-09-10. Review status: criteria provided, single submitter. Criteria: ACMG Guidelines, 2015. Collection method: clinical testing. Allele origin: germline.

GeneDx
Classification: Likely pathogenic. Last evaluated: 2024-05-01. Review status: criteria provided, single submitter. Criteria: GeneDx Variant Classification Process June 2021. Collection method: clinical testing. Allele origin: germline. Affected: yes.
Comment: Not observed at significant frequency in large population cohorts (gnomAD); In silico analysis supports that this missense variant has a deleterious effect on protein structure/function; This variant is associated with the following publications: (PMID: 34988120, 34360805, 25862977, Reis2023[article], 37240249, 38664418, 25928877, 32833257, 34259997)

Labcorp Genetics (formerly Invitae), Labcorp
Classification: Uncertain significance. Last evaluated: 2024-03-30. Review status: criteria provided, single submitter. Criteria: Invitae Variant Classification Sherloc (09022015). Collection method: clinical testing. Allele origin: germline.
Comment: This sequence change replaces proline, which is neutral and non-polar, with leucine, which is neutral and non-polar, at codon 496 of the FAM20C protein (p.Pro496Leu). This variant is not present in population databases (gnomAD no frequency). This missense change has been observed in individuals with Raine Syndrome (PMID: 25928877, 34259997). Advanced modeling of protein sequence and biophysical properties (such as structural, functional, and spatial information, amino acid conservation, physicochemical variation, residue mobility, and thermodynamic stability) performed at Invitae indicates that this missense variant is expected to disrupt FAM20C protein function with a positive predictive value of 80%. In summary, the available evidence is currently insufficient to determine the role of this variant in disease. Therefore, it has been classified as a Variant of Uncertain Significance.

Literature cited by the submitters: PubMed 25928877 (cited by Labcorp Genetics (formerly Invitae), Labcorp); PubMed 34259997 (cited by Labcorp Genetics (formerly Invitae), Labcorp).